The following is an entry in ClinVar:

ClinVar aggregate classification (germline): Uncertain significance (1 of 4 stars; one submission).

Conditions:
Deficiency of galactokinase. Also called: GALACTOSEMIA II; Galactokinase deficiency with cataracts. Identifiers: Orphanet 352, Orphanet 79237, MedGen C0268155, MONDO:0009255, OMIM 230200.

gnomAD v4.1: 2 of 1,612,982 alleles (0.00012%); highest among the groups gnomAD compares: Admixed American, 0.0017%; no homozygotes.

Submission:

Labcorp Genetics (formerly Invitae), Labcorp
Classification: Uncertain significance for Deficiency of galactokinase. Last evaluated: 2024-10-28. Review status: criteria provided, single submitter. Criteria: Invitae Variant Classification Sherloc (09022015). Collection method: clinical testing. Allele origin: germline.
Comment: This sequence change replaces isoleucine, which is neutral and non-polar, with threonine, which is neutral and polar, at codon 201 of the GALK1 protein (p.Ile201Thr). This variant is not present in population databases (gnomAD no frequency). This variant has not been reported in the literature in individuals affected with GALK1-related conditions. Invitae Evidence Modeling of protein sequence and biophysical properties (such as structural, functional, and spatial information, amino acid conservation, physicochemical variation, residue mobility, and thermodynamic stability) has been performed for this missense variant. However, the output from this modeling did not meet the statistical confidence thresholds required to predict the impact of this variant on GALK1 protein function. In summary, the available evidence is currently insufficient to determine the role of this variant in disease. Therefore, it has been classified as a Variant of Uncertain Significance.

NM_000154.2(GALK1):c.602T>C (p.Ile201Thr)

Gene: GALK1 (galactokinase 1; minus strand). Cytogenetic location: 17q25.1.
Variant type: single nucleotide variant.
Coding change: c.602T>C on transcript NM_000154.2 (MANE Select); coding-DNA position 602, T replaced by C.
Protein change: p.Ile201Thr; replaces isoleucine 201 with threonine.
Molecular consequence: missense variant.
Genome position (GRCh38, 1-based): chr17:75,763,023, A>G on the plus strand (T>C on the coding strand, the complement: GALK1 is on the minus strand). VCF-style: chr17-75763023-A-G. GRCh37 (hg19) VCF-style: chr17-73759104-A-G.
Other names: c.602T>C, p.Ile201Thr (NM_001381985.1); short protein forms I201T.
Identifiers: ClinVar variation 3678563 (VCV003678563.2).
Genomic context (GRCh38, chr17:75,763,023, plus strand): 5'-CCAGGAGCTGCTGAGTGCAGGGCGGGAGGGGACGAGGGGAGCGAGCCCAACCTGCAGTCA[A>G]TGAGCAGCGCGTGGCCTTTCTGTCCCATAAGTGAGATGAACTGGTCCATGATGCCACAGG-3'
Protein context (NP_000145.1, residues 191-211): LMGQKGHALL[Ile201Thr]DCRSLETSLV